The following is an entry in ClinVar:

ClinVar aggregate classification (germline): Uncertain significance. Review status: criteria provided, multiple submitters, no conflicts (2 of 4 stars). 4 submissions from 4 submitters: Uncertain significance (4). Last evaluated 2026-06-06.

Conditions:
Inborn genetic diseases. Identifiers: MedGen C0950123, MeSH D030342.
Nephronophthisis 15 (NPHP15). Identifiers: Orphanet 3156, MedGen C3541853, MONDO:0013917, OMIM 614845.
CEP164-related disorder. Also called: CEP164-related condition.

Allele frequency attached by ClinVar (database versions not stated): ExAC 0.00004; gnomAD 0.00005; TOPMed 0.00005; ESP Exome Variant Server 0.00015.
gnomAD v4.1: 70 of 1,613,694 alleles (0.0043%); highest among the groups gnomAD compares: Non-Finnish European, 0.0056%; no homozygotes.

Submissions (4):

PreventionGenetics, part of Exact Sciences
Classification: Uncertain significance for CEP164-related condition. Last evaluated: 2026-06-06. Review status: criteria provided, single submitter. Criteria: ACMG Guidelines, 2015. Collection method: clinical testing. Allele origin: germline.
Comment: The CEP164 c.3188T>C variant is predicted to result in the amino acid substitution p.Ile1063Thr. To our knowledge, this variant has not been reported in the literature. This variant is reported in 0.0054% of alleles in individuals of European (Non-Finnish) descent in gnomAD. At this time, the clinical significance of this variant is uncertain due to the absence of conclusive functional and genetic evidence.

Ambry Genetics
Classification: Uncertain significance for Inborn genetic diseases. Last evaluated: 2025-09-10. Review status: criteria provided, single submitter. Criteria: Ambry Variant Classification Scheme 2023. Collection method: clinical testing. Allele origin: germline.

Fulgent Genetics
Classification: Uncertain significance for Nephronophthisis 15. Last evaluated: 2024-04-07. Review status: criteria provided, single submitter. Criteria: ACMG Guidelines, 2015. Collection method: clinical testing. Allele origin: germline.

Labcorp Genetics (formerly Invitae), Labcorp
Classification: Uncertain significance for Nephronophthisis 15. Last evaluated: 2021-05-27. Review status: criteria provided, single submitter. Criteria: Invitae Variant Classification Sherloc (09022015). Collection method: clinical testing. Allele origin: germline.
Comment: In summary, the available evidence is currently insufficient to determine the role of this variant in disease. Therefore, it has been classified as a Variant of Uncertain Significance. Algorithms developed to predict the effect of missense changes on protein structure and function (SIFT, PolyPhen-2, Align-GVGD) all suggest that this variant is likely to be disruptive, but these predictions have not been confirmed by published functional studies and their clinical significance is uncertain. This variant has not been reported in the literature in individuals with CEP164-related conditions. This variant is present in population databases (rs148477756, ExAC 0.01%). This sequence change replaces isoleucine with threonine at codon 1063 of the CEP164 protein (p.Ile1063Thr). The isoleucine residue is moderately conserved and there is a moderate physicochemical difference between isoleucine and threonine.

NM_014956.5(CEP164):c.3188T>C (p.Ile1063Thr)

Gene: CEP164 (centrosomal protein 164; plus strand). Cytogenetic location: 11q23.3.
Variant type: single nucleotide variant.
Coding change: c.3188T>C on transcript NM_014956.5 (MANE Select); coding-DNA position 3188, T replaced by C.
Protein change: p.Ile1063Thr; replaces isoleucine 1063 with threonine.
Molecular consequence: missense variant.
Genome position (GRCh38, 1-based): chr11:117,396,152, T>C. VCF-style: chr11-117396152-T-C. GRCh37 (hg19) VCF-style: chr11-117266868-T-C.
Other names: c.3197T>C, p.Ile1066Thr (NM_001271933.2); c.3188T>C (NM_014956.4); short protein forms I1063T, I1066T.
Identifiers: ClinVar variation 1522404 (VCV001522404.9), dbSNP rs148477756, ClinGen allele CA6295358.